The following is an entry in ClinVar:

NM_004618.5(TOP3A):c.2473C>T (p.Arg825Cys)

Gene: TOP3A (DNA topoisomerase III alpha; minus strand). Cytogenetic location: 17p11.2.
Variant type: single nucleotide variant.
Coding change: c.2473C>T on transcript NM_004618.5 (MANE Select); coding-DNA position 2473, C replaced by T.
Protein change: p.Arg825Cys; replaces arginine 825 with cysteine.
Molecular consequence: missense variant.
Genome position (GRCh38, 1-based): chr17:18,278,029, G>A on the plus strand (C>T on the coding strand, the complement: TOP3A is on the minus strand). VCF-style: chr17-18278029-G-A. GRCh37 (hg19) VCF-style: chr17-18181343-G-A.
Other names: c.2188C>T, p.Arg730Cys (NM_001320759.2); c.2473C>T (NM_004618.3); short protein forms R730C, R825C.
Identifiers: ClinVar variation 1685181 (VCV001685181.5), dbSNP rs762382567, ClinGen allele CA8429595.

ClinVar aggregate classification (germline): Uncertain significance. Review status: criteria provided, multiple submitters, no conflicts (2 of 4 stars). 3 submissions from 3 submitters: Uncertain significance (3). Last evaluated 2025-10-30.

Conditions:
Inborn genetic diseases. Identifiers: MedGen C0950123, MeSH D030342.

Allele frequency attached by ClinVar (database versions not stated): TOPMed 0.00003; ExAC 0.00004; gnomAD exomes 0.00006; gnomAD 0.00001.
gnomAD v4.1: 38 of 1,614,050 alleles (0.0024%); highest among the groups gnomAD compares: East Asian, 0.013%; no homozygotes.

Submissions (3):

Ambry Genetics
Classification: Uncertain significance for Inborn genetic diseases. Last evaluated: 2025-10-30. Review status: criteria provided, single submitter. Criteria: Ambry Variant Classification Scheme 2023. Collection method: clinical testing. Allele origin: germline.

Labcorp Genetics (formerly Invitae), Labcorp
Classification: Uncertain significance. Last evaluated: 2022-08-12. Review status: criteria provided, single submitter. Criteria: Invitae Variant Classification Sherloc (09022015). Collection method: clinical testing. Allele origin: germline.
Comment: This sequence change replaces arginine, which is basic and polar, with cysteine, which is neutral and slightly polar, at codon 825 of the TOP3A protein (p.Arg825Cys). This variant is present in population databases (rs762382567, gnomAD 0.04%). This variant has not been reported in the literature in individuals affected with TOP3A-related conditions. ClinVar contains an entry for this variant (Variation ID: 1685181). Algorithms developed to predict the effect of missense changes on protein structure and function are either unavailable or do not agree on the potential impact of this missense change (SIFT: "Not Available"; PolyPhen-2: "Probably Damaging"; Align-GVGD: "Not Available"). In summary, the available evidence is currently insufficient to determine the role of this variant in disease. Therefore, it has been classified as a Variant of Uncertain Significance.

Mendelics
Classification: Uncertain significance. Last evaluated: 2022-05-04. Review status: criteria provided, single submitter. Criteria: Mendelics Assertion Criteria 2019. Collection method: clinical testing. Allele origin: germline.